The following is an entry in ClinVar:

ClinVar aggregate classification (germline): Uncertain significance (1 of 4 stars; one submission).

Submission:

GeneDx
Classification: Uncertain significance. Last evaluated: 2026-03-06. Review status: criteria provided, single submitter. Criteria: GeneDx Variant Classification Process June 2021. Collection method: clinical testing. Allele origin: germline.
Comment: Not observed at significant frequency in large population cohorts (gnomAD); In silico analysis suggests that this missense variant does not alter protein structure/function; Has not been previously published as pathogenic or benign to our knowledge

NM_003470.3(USP7):c.2334T>G (p.Ser778Arg)

Gene: USP7 (ubiquitin specific peptidase 7; minus strand). Cytogenetic location: 16p13.2.
Variant type: single nucleotide variant.
Coding change: c.2334T>G on transcript NM_003470.3 (MANE Select); coding-DNA position 2334, T replaced by G.
Protein change: p.Ser778Arg; replaces serine 778 with arginine.
Molecular consequence: missense variant. On other transcripts: non-coding transcript variant (1).
Genome position (GRCh38, 1-based): chr16:8,899,733, A>C on the plus strand (T>G on the coding strand, the complement: USP7 is on the minus strand). VCF-style: chr16-8899733-A-C. GRCh37 (hg19) VCF-style: chr16-8993590-A-C.
Other names: c.2286T>G, p.Ser762Arg (NM_001286457.2); c.2037T>G, p.Ser679Arg (NM_001286458.2); c.2160T>G, p.Ser720Arg (NM_001321858.2); short protein forms S762R, S778R, S720R, S679R.
Identifiers: ClinVar variation 5008131 (VCV005008131.1).
Genomic context (GRCh38, chr16:8,899,733, plus strand): 5'-GAAAATGACATCAACGCGGTGGTAGAGATCTCGGAAATACTCCTTTGCGGTGGGTAATTC[A>C]CTGTTATCATTTTCAGGGTCATCCCTGGTGGAGGGAGAAAGTTTGCAGTCTGAATCAAAG-3'
Protein context (NP_003461.2, residues 768-788): FQKDDPENDN[Ser778Arg]ELPTAKEYFR